The following is an entry in ClinVar:

NM_012431.3(SEMA3E):c.147T>C (p.Phe49=)

Gene: SEMA3E (semaphorin 3E; minus strand). Cytogenetic location: 7q21.11.
Variant type: single nucleotide variant.
Coding change: c.147T>C on transcript NM_012431.3 (MANE Select); coding-DNA position 147, T replaced by C.
Protein change: p.Phe49=; no amino-acid change (phenylalanine 49 retained).
Molecular consequence: synonymous variant. On other transcripts: 5 prime UTR variant (1).
Genome position (GRCh38, 1-based): chr7:83,490,243, A>G on the plus strand (T>C on the coding strand, the complement: SEMA3E is on the minus strand). VCF-style: chr7-83490243-A-G. GRCh37 (hg19) VCF-style: chr7-83119559-A-G.
Other names: c.-34T>C (NM_001178129.2).
Identifiers: ClinVar variation 5000524 (VCV005000524.1).

ClinVar aggregate classification (germline): Likely benign (1 of 4 stars; one submission).

Conditions:
SEMA3E-related disorder. Also called: SEMA3E-related condition.

Submission:

PreventionGenetics, part of Exact Sciences
Classification: Likely benign for SEMA3E-related condition. Last evaluated: 2024-12-02. Review status: criteria provided, single submitter. Criteria: ACMG Guidelines, 2015. Collection method: clinical testing. Allele origin: germline.
Comment: This variant is classified as likely benign based on ACMG/AMP sequence variant interpretation guidelines (Richards et al. 2015 PMID: 25741868, with internal and published modifications).